The following is an entry in ClinVar:

NM_000217.3(KCNA1):c.*1524A>G

Gene: KCNA1 (potassium voltage-gated channel subfamily A member 1; plus strand). Cytogenetic location: 12p13.32.
Variant type: single nucleotide variant.
Coding change: c.*1524A>G on transcript NM_000217.3 (MANE Select); 1524 bases downstream of the stop codon, A replaced by G.
Molecular consequence: 3 prime UTR variant.
Genome position (GRCh38, 1-based): chr12:4,914,390, A>G. VCF-style: chr12-4914390-A-G. GRCh37 (hg19) VCF-style: chr12-5023556-A-G.
Identifiers: ClinVar variation 309173 (VCV000309173.9), dbSNP rs79357862, ClinGen allele CA10641559.

ClinVar aggregate classification (germline): Benign. Review status: criteria provided, multiple submitters, no conflicts (2 of 4 stars). 3 submissions from 3 submitters: Benign (3). Last evaluated 2021-05-12.

Conditions:
Episodic ataxia type 1 (EA1). Also called: ATAXIA, EPISODIC, WITH MYOKYMIA; MYOKYMIA WITH PERIODIC ATAXIA; PAROXYSMAL ATAXIA WITH NEUROMYOTONIA, HEREDITARY; Episodic ataxia/myokymia syndrome. Identifiers: Orphanet 37612, Orphanet 972, MedGen C1719788, MONDO:0008047, OMIM 160120.

Allele frequency attached by ClinVar (database versions not stated): gnomAD exomes 0.03182; gnomAD 0.04290 and 0.04298; TOPMed 0.04787; 1000 Genomes Project 30x 0.04919; 1000 Genomes Project 0.04952.

Submissions (3):

GeneDx
Classification: Benign. Last evaluated: 2021-05-12. Review status: criteria provided, single submitter. Criteria: GeneDx Variant Classification Process June 2021. Collection method: clinical testing. Allele origin: germline. Affected: yes.

Illumina Laboratory Services, Illumina
Classification: Benign for Episodic ataxia type 1. Last evaluated: 2018-01-13. Review status: criteria provided, single submitter. Criteria: ICSL Variant Classification Criteria 13 December 2019. Collection method: clinical testing. Allele origin: germline.
Comment: This variant was observed in the ICSL laboratory as part of a predisposition screen in an ostensibly healthy population. It had not been previously curated by ICSL or reported in the Human Gene Mutation Database (HGMD: prior to June 1st, 2018), and was therefore a candidate for classification through an automated scoring system. Utilizing variant allele frequency, disease prevalence and penetrance estimates, and inheritance mode, an automated score was calculated to assess if this variant is too frequent to cause the disease. Based on the score and internal cut-off values, a variant classified as benign is not then subjected to further curation. The score for this variant resulted in a classification of benign for this disease.

Breakthrough Genomics
Classification: Benign. Review status: criteria provided, single submitter. Criteria: ACMG Guidelines, 2015. Collection method: not provided. Allele origin: germline. Inheritance: Autosomal dominant inheritance. Affected: yes.